The following is an entry in ClinVar:

ClinVar aggregate classification (germline): Likely benign. Review status: criteria provided, multiple submitters, no conflicts (2 of 4 stars). 4 submissions from 4 submitters: Likely benign (4). Last evaluated 2026-05-01.

Allele frequency attached by ClinVar (database versions not stated): 1000 Genomes Project 30x 0.00016; 1000 Genomes Project 0.00020; gnomAD 0.00049 and 0.00054; TOPMed 0.00049; gnomAD exomes 0.00060; ESP Exome Variant Server 0.00069; ExAC 0.00072.
gnomAD v4.1: 1,076 of 1,613,700 alleles (0.067%); highest among the groups gnomAD compares: South Asian, 0.082%; no homozygotes.

Submissions (4):

CeGaT Center for Human Genetics Tuebingen
Classification: Likely benign. Last evaluated: 2026-05-01. Review status: criteria provided, single submitter. Criteria: CeGaT Center For Human Genetics Tuebingen Variant Classification Criteria Version 2. Collection method: clinical testing. Allele origin: germline. Affected: yes. Observed: 1 variant allele.
Comment: CYB5R3: BP4, BP7

Labcorp Genetics (formerly Invitae), Labcorp
Classification: Likely benign. Last evaluated: 2025-11-16. Review status: criteria provided, single submitter. Criteria: Invitae Variant Classification Sherloc (09022015). Collection method: clinical testing. Allele origin: germline.

Blueprint Genetics
Classification: Likely benign. Last evaluated: 2024-11-01. Review status: criteria provided, single submitter. Criteria: ACMG Guidelines, 2015. Collection method: clinical testing. Allele origin: germline.

ARUP Laboratories, Molecular Genetics and Genomics, ARUP Laboratories
Classification: Likely benign. Last evaluated: 2024-05-09. Review status: criteria provided, single submitter. Criteria: ARUP Molecular Germline Variant Investigation Process 2024. Collection method: clinical testing. Allele origin: germline.

NM_000398.7(CYB5R3):c.558G>A (p.Pro186=)

Gene: CYB5R3 (cytochrome b5 reductase 3; minus strand). Cytogenetic location: 22q13.2.
Variant type: single nucleotide variant.
Coding change: c.558G>A on transcript NM_000398.7 (MANE Select); coding-DNA position 558, G replaced by A.
Protein change: p.Pro186=; no amino-acid change (proline 186 retained).
Molecular consequence: synonymous variant.
Genome position (GRCh38, 1-based): chr22:42,627,379, C>T on the plus strand (G>A on the coding strand, the complement: CYB5R3 is on the minus strand). VCF-style: chr22-42627379-C-T. GRCh37 (hg19) VCF-style: chr22-43023385-C-T.
Other names: c.489G>A, p.Pro163= (NM_001129819.2, NM_001171661.1, NM_007326.4); c.657G>A, p.Pro219= (NM_001171660.2).
Identifiers: ClinVar variation 722742 (VCV000722742.13), dbSNP rs139534909, ClinGen allele CA10269658.